The following is an entry in ClinVar:

ClinVar aggregate classification (germline): Uncertain significance. Review status: criteria provided, multiple submitters, no conflicts (2 of 4 stars). 2 submissions from 2 submitters: Uncertain significance (2). Last evaluated 2023-08-11.

Conditions:
Hereditary cancer-predisposing syndrome. Also called: Hereditary neoplastic syndrome; Neoplastic Syndromes, Hereditary; Hereditary Cancer Syndrome; Tumor predisposition. Identifiers: Orphanet 140162, MedGen C0027672, MeSH D009386, MONDO:0015356.
Breast-ovarian cancer, familial, susceptibility to, 4. Identifiers: Orphanet 145, MedGen C3280345, MONDO:0013669, OMIM 614291.

Submissions (2):

Labcorp Genetics (formerly Invitae), Labcorp
Classification: Uncertain significance for Breast-ovarian cancer, familial, susceptibility to, 4. Last evaluated: 2023-08-11. Review status: criteria provided, single submitter. Criteria: Invitae Variant Classification Sherloc (09022015). Collection method: clinical testing. Allele origin: germline.
Comment: This variant is not present in population databases (gnomAD no frequency). In summary, the available evidence is currently insufficient to determine the role of this variant in disease. Therefore, it has been classified as a Variant of Uncertain Significance. Advanced modeling of protein sequence and biophysical properties (such as structural, functional, and spatial information, amino acid conservation, physicochemical variation, residue mobility, and thermodynamic stability) performed at Invitae indicates that this missense variant is not expected to disrupt RAD51D protein function. ClinVar contains an entry for this variant (Variation ID: 1717033). This variant has not been reported in the literature in individuals affected with RAD51D-related conditions. This sequence change replaces aspartic acid, which is acidic and polar, with glycine, which is neutral and non-polar, at codon 254 of the RAD51D protein (p.Asp254Gly).

Ambry Genetics
Classification: Uncertain significance for Hereditary cancer-predisposing syndrome. Last evaluated: 2023-03-25. Review status: criteria provided, single submitter. Criteria: Ambry Variant Classification Scheme 2023. Collection method: clinical testing. Allele origin: germline.
Comment: The p.D254G variant (also known as c.761A>G), located in coding exon 9 of the RAD51D gene, results from an A to G substitution at nucleotide position 761. The aspartic acid at codon 254 is replaced by glycine, an amino acid with similar properties. This amino acid position is conserved. In addition, the in silico prediction for this alteration is inconclusive. Since supporting evidence is limited at this time, the clinical significance of this alteration remains unclear.

NM_002878.4(RAD51D):c.761A>G (p.Asp254Gly)

Genes: RAD51D (RAD51 paralog D; minus strand), RAD51L3-RFFL (RAD51L3-RFFL readthrough; minus strand). Cytogenetic location: 17q12.
Variant type: single nucleotide variant.
Coding change: c.761A>G on transcript NM_002878.4 (MANE Select); coding-DNA position 761, A replaced by G.
Protein change: p.Asp254Gly; replaces aspartic acid 254 with glycine.
Molecular consequence: missense variant. On other transcripts: non-coding transcript variant (3).
Genome position (GRCh38, 1-based): chr17:35,101,343, T>C on the plus strand (A>G on the coding strand, the complement: RAD51D is on the minus strand). VCF-style: chr17-35101343-T-C. GRCh37 (hg19) VCF-style: chr17-33428362-T-C.
Other names: c.821A>G, p.Asp274Gly (NM_001142571.2); c.425A>G, p.Asp142Gly (NM_133629.3); short protein forms D142G, D254G, D274G.
Identifiers: ClinVar variation 1717033 (VCV001717033.7), dbSNP rs1555567178, ClinGen allele CA399086951.